The following is an entry in ClinVar:

ClinVar aggregate classification (germline): not provided (0 of 4 stars; one submission).

Allele frequency attached by ClinVar (database versions not stated): ExAC 0.00166; ESP Exome Variant Server 0.00423; 1000 Genomes Project 30x 0.00453; gnomAD 0.00454 and 0.00481; 1000 Genomes Project 0.00479; TOPMed 0.00488; gnomAD exomes 0.00146.
gnomAD v4.1: 1,572 of 1,414,310 alleles (0.11%); highest among the groups gnomAD compares: African/African-American, 1.5%; 16 homozygotes.

Submission:

ITMI
No classification provided. Condition: AllHighlyPenetrant. Last evaluated: 2013-09-19. Review status: no classification provided. Collection method: reference population. Allele origin: germline.
Comment: Please see associated publication for description of ethnicities

Literature cited by the submitters: PubMed 24728327.

NM_001378743.1(CYLD):c.2041+50C>A

Genes: CYLD (CYLD lysine 63 deubiquitinase; plus strand), CYLD-AS2 (CYLD antisense RNA 2; minus strand). Cytogenetic location: 16q12.1.
Variant type: single nucleotide variant.
Coding change: c.2041+50C>A on transcript NM_001378743.1 (MANE Select); 50 bases into the intron after coding-DNA position 2041, C replaced by A.
Molecular consequence: intron variant.
Genome position (GRCh38, 1-based): chr16:50,786,996, C>A. VCF-style: chr16-50786996-C-A. GRCh37 (hg19) VCF-style: chr16-50820907-C-A.
Other names: c.2002+50C>A (NM_001378751.1, NM_001378752.1, NM_001378753.1); c.1366+50C>A (NM_001378754.1, NM_001378755.1); c.2032+50C>A (NM_001378749.1, NM_001378746.1, NM_001042412.3 and 6 more transcripts); c.2041+50C>A (NM_015247.3).
Identifiers: ClinVar variation 135510 (VCV000135510.1), dbSNP rs13338860, ClinGen allele CA162965.